The following is an entry in ClinVar:

ClinVar aggregate classification (germline): Uncertain significance. Review status: criteria provided, multiple submitters, no conflicts (2 of 4 stars). 2 submissions from 2 submitters: Uncertain significance (2). Last evaluated 2021-10-28.

Conditions:
Pyridoxal phosphate-responsive seizures (PNPOD). Also called: EPILEPTIC ENCEPHALOPATHY, NEONATAL, PNPO-RELATED; SEIZURES, PYRIDOXINE-RESISTANT, PLP-SENSITIVE; Pyridoxal 5'-Phosphate (PLP)-Dependent Epilepsy; Pyridoxamine 5-Prime-Phosphate Oxidase Deficiency; Pyridoxine-5'-phosphate oxidase deficiency. Identifiers: Orphanet 79096, MedGen C1864723, MONDO:0012407, OMIM 610090. Disease mechanism: loss of function.

Allele frequency attached by ClinVar (database versions not stated): gnomAD exomes 0.00001.
gnomAD v4.1: 5 of 1,540,770 alleles (0.00032%); highest among the groups gnomAD compares: South Asian, 0.0012%; no homozygotes.

Submissions (2):

Labcorp Genetics (formerly Invitae), Labcorp
Classification: Uncertain significance for Pyridoxal phosphate-responsive seizures. Last evaluated: 2021-10-28. Review status: criteria provided, single submitter. Criteria: Invitae Variant Classification Sherloc (09022015). Collection method: clinical testing. Allele origin: germline.
Comment: This sequence change replaces glycine, which is neutral and non-polar, with aspartic acid, which is acidic and polar, at codon 7 of the PNPO protein (p.Gly7Asp). The frequency data for this variant in the population databases is considered unreliable, as metrics indicate poor data quality at this position in the gnomAD database. This variant has not been reported in the literature in individuals affected with PNPO-related conditions. ClinVar contains an entry for this variant (Variation ID: 546398). Algorithms developed to predict the effect of missense changes on protein structure and function (SIFT, PolyPhen-2, Align-GVGD) all suggest that this variant is likely to be tolerated. In summary, the available evidence is currently insufficient to determine the role of this variant in disease. Therefore, it has been classified as a Variant of Uncertain Significance.

GeneDx
Classification: Uncertain significance. Last evaluated: 2018-05-23. Review status: criteria provided, single submitter. Criteria: GeneDx Variant Classification (06012015). Collection method: clinical testing. Allele origin: germline. Affected: yes.
Comment: A variant of uncertain significance has been identified in the PNPO gene. The G7D variant has not been published as a pathogenic variant, nor has it been reported as a benign variant to our knowledge. The G7D variant is not observed in large population cohorts (Lek et al., 2016). The G7D variant is a non-conservative amino acid substitution, which is likely to impact secondary protein structure as these residues differ in polarity, charge, size and/or other properties. However, in-silico analyses, including protein predictors and evolutionary conservation, support that this variant does not alter protein structure/function. Therefore, based on the currently available information, it is unclear whether this variant is a pathogenic variant or a rare benign variant.

NM_018129.4(PNPO):c.20G>A (p.Gly7Asp)

Gene: PNPO (pyridoxamine 5'-phosphate oxidase; plus strand). Cytogenetic location: 17q21.32.
Variant type: single nucleotide variant.
Coding change: c.20G>A on transcript NM_018129.4 (MANE Select); coding-DNA position 20, G replaced by A.
Protein change: p.Gly7Asp; replaces glycine 7 with aspartic acid.
Molecular consequence: missense variant.
Genome position (GRCh38, 1-based): chr17:47,941,695, G>A. VCF-style: chr17-47941695-G-A. GRCh37 (hg19) VCF-style: chr17-46019061-G-A.
Other names: short protein forms G7D.
Identifiers: ClinVar variation 546398 (VCV000546398.5), dbSNP rs1426940419, ClinGen allele CA400054643.